The following is an entry in ClinVar:

ClinVar aggregate classification (germline): Uncertain significance (1 of 4 stars; one submission).

Submission:

Labcorp Genetics (formerly Invitae), Labcorp
Classification: Uncertain significance. Last evaluated: 2024-05-15. Review status: criteria provided, single submitter. Criteria: Invitae Variant Classification Sherloc (09022015). Collection method: clinical testing. Allele origin: germline.
Comment: This sequence change replaces serine, which is neutral and polar, with isoleucine, which is neutral and non-polar, at codon 85 of the COL7A1 protein (p.Ser85Ile). This variant is present in population databases (no rsID available, gnomAD 0.001%). This variant has not been reported in the literature in individuals affected with COL7A1-related conditions. Experimental studies and prediction algorithms are not available or were not evaluated, and the functional significance of this variant is currently unknown. In summary, the available evidence is currently insufficient to determine the role of this variant in disease. Therefore, it has been classified as a Variant of Uncertain Significance.

NM_000094.4(COL7A1):c.254_255delinsTT (p.Ser85Ile)

Gene: COL7A1 (collagen type VII alpha 1 chain; minus strand). Cytogenetic location: 3p21.31.
Variant type: Indel.
Coding change: c.254_255delinsTT on transcript NM_000094.4 (MANE Select); coding-DNA positions 254 to 255, GC replaced by TT.
Protein change: p.Ser85Ile; replaces serine 85 with isoleucine.
Molecular consequence: missense variant.
Genome position (GRCh38, 1-based): chr3:48,594,379-48,594,380, GC replaced by AA on the plus strand (GC replaced by TT on the coding strand, the reverse complement: COL7A1 is on the minus strand). VCF-style: chr3-48594379-GC-AA. GRCh37 (hg19) VCF-style: chr3-48631812-GC-AA.
Other names: short protein forms S85I.
Identifiers: ClinVar variation 3611665 (VCV003611665.2).
Genomic context (GRCh38, chr3:48,594,379, plus strand): 5'-AGTCTTGGTGGGGATCTCGTGGTCCCCAGCCCCCAGGGCCCCTACTCACCGTGGGTCATC[GC>AA]TGTACTGCACTGTGGCAAAGCGCACACCCTGTGCACTGGCTGCTCCAGAGAAAGGCAGCA-3'
Protein context (NP_000085.1, residues 75-95): QGVRFATVQY[Ser85Ile]DDPRTEFGLD